The following is an entry in ClinVar:

NM_006767.4(LZTR1):c.178T>C (p.Cys60Arg)

Gene: LZTR1 (leucine zipper like post translational regulator 1; plus strand). Cytogenetic location: 22q11.21.
Variant type: single nucleotide variant.
Coding change: c.178T>C on transcript NM_006767.4 (MANE Select); coding-DNA position 178, T replaced by C.
Protein change: p.Cys60Arg; replaces cysteine 60 with arginine.
Molecular consequence: missense variant.
Genome position (GRCh38, 1-based): chr22:20,982,549, T>C. VCF-style: chr22-20982549-T-C. GRCh37 (hg19) VCF-style: chr22-21336838-T-C.
Other names: short protein forms C60R.
Identifiers: ClinVar variation 2696874 (VCV002696874.3), dbSNP rs2518607979, ClinGen allele CA410778101.

ClinVar aggregate classification (germline): Uncertain significance (1 of 4 stars; one submission).

Submission:

Labcorp Genetics (formerly Invitae), Labcorp
Classification: Uncertain significance. Last evaluated: 2023-11-17. Review status: criteria provided, single submitter. Criteria: Invitae Variant Classification Sherloc (09022015). Collection method: clinical testing. Allele origin: germline.
Comment: This sequence change replaces cysteine, which is neutral and slightly polar, with arginine, which is basic and polar, at codon 60 of the LZTR1 protein (p.Cys60Arg). This variant is not present in population databases (gnomAD no frequency). This variant has not been reported in the literature in individuals affected with LZTR1-related conditions. Advanced modeling of protein sequence and biophysical properties (such as structural, functional, and spatial information, amino acid conservation, physicochemical variation, residue mobility, and thermodynamic stability) performed at Invitae indicates that this missense variant is not expected to disrupt LZTR1 protein function with a negative predictive value of 80%. In summary, the available evidence is currently insufficient to determine the role of this variant in disease. Therefore, it has been classified as a Variant of Uncertain Significance.